The following is an entry in ClinVar:

ClinVar aggregate classification (germline): Likely benign (1 of 4 stars; one submission).

Allele frequency attached by ClinVar (database versions not stated): ESP Exome Variant Server 0.00062; TOPMed 0.00110; gnomAD 0.00116; 1000 Genomes Project 30x 0.00156; 1000 Genomes Project 0.00200; ExAC 0.00227.
gnomAD v4.1: 2,084 of 1,613,904 alleles (0.13%); highest among the groups gnomAD compares: South Asian, 0.75%; 13 homozygotes.

Submission:

CeGaT Center for Human Genetics Tuebingen
Classification: Likely benign. Last evaluated: 2024-02-01. Review status: criteria provided, single submitter. Criteria: CeGaT Center For Human Genetics Tuebingen Variant Classification Criteria Version 2. Collection method: clinical testing. Allele origin: germline. Affected: yes. Observed: 1 variant allele.
Comment: TMC7: BP4, BP7, BS2

NM_024847.4(TMC7):c.1668C>T (p.Ile556=)

Gene: TMC7 (transmembrane channel like 7; plus strand). Cytogenetic location: 16p12.3.
Variant type: single nucleotide variant.
Coding change: c.1668C>T on transcript NM_024847.4 (MANE Select); coding-DNA position 1668, C replaced by T.
Protein change: p.Ile556=; no amino-acid change (isoleucine 556 retained).
Molecular consequence: synonymous variant. On other transcripts: non-coding transcript variant (1).
Genome position (GRCh38, 1-based): chr16:19,047,177, C>T. VCF-style: chr16-19047177-C-T. GRCh37 (hg19) VCF-style: chr16-19058499-C-T.
Other names: c.1338C>T, p.Ile446= (NM_001160364.2); c.1668C>T, p.Ile556= (NM_001300732.2, NM_001324265.1); c.642C>T, p.Ile214= (NM_001324263.1, NM_001324268.1).
Identifiers: ClinVar variation 3025152 (VCV003025152.22), dbSNP rs201258676, ClinGen allele CA7932618.